The following is an entry in ClinVar:

ClinVar aggregate classification (germline): Uncertain significance (1 of 4 stars; one submission).

Conditions:
Fanconi anemia complementation group D2. Also called: FANCD2-Related Fanconi Anemia; FANCONI PANCYTOPENIA, TYPE 4; FANCONI ANEMIA, COMPLEMENTATION GROUP D. Identifiers: Orphanet 84, MedGen C3160738, MONDO:0009214, OMIM 227646.

Allele frequency attached by ClinVar (database versions not stated): ExAC 0.00001; TOPMed 0.00001; gnomAD exomes 0.00002 and 0.00001.
gnomAD v4.1: 4 of 1,613,080 alleles (0.00025%); highest among the groups gnomAD compares: Admixed American, 0.0067%; no homozygotes.

Submission:

Baylor Genetics
Classification: Uncertain significance for Fanconi anemia complementation group D2. Last evaluated: 2019-06-12. Review status: criteria provided, single submitter. Criteria: ACMG Guidelines, 2015. Collection method: clinical testing. Allele origin: unknown. Affected: yes. Study: CSER-TexasKidsCanSeq.
Comment: This variant was determined to be of uncertain significance according to ACMG Guidelines, 2015 [PMID:25741868].

NM_001018115.3(FANCD2):c.3513T>G (p.Asp1171Glu)

Genes: FANCD2OS (FANCD2 opposite strand; minus strand), FANCD2 (FA complementation group D2; plus strand). Cytogenetic location: 3p25.3.
Variant type: single nucleotide variant.
Coding change: c.3513T>G on transcript NM_001018115.3 (MANE Select); coding-DNA position 3513, T replaced by G.
Protein change: p.Asp1171Glu; replaces aspartic acid 1171 with glutamic acid.
Molecular consequence: missense variant. On other transcripts: intron variant (1).
Genome position (GRCh38, 1-based): chr3:10,088,495, T>G. VCF-style: chr3-10088495-T-G. GRCh37 (hg19) VCF-style: chr3-10130179-T-G.
Other names: c.3513T>G, p.Asp1171Glu (NM_001319984.2, NM_001374254.1, NM_033084.6); c.3402T>G, p.Asp1134Glu (NM_001374253.1); c.*44-6964A>C (NM_173472.2); short protein forms D1134E, D1171E.
Identifiers: ClinVar variation 997665 (VCV000997665.4), dbSNP rs760823688, ClinGen allele CA2250425.